The following is an entry in ClinVar:

ClinVar aggregate classification (germline): Likely benign. Review status: criteria provided, multiple submitters, no conflicts (2 of 4 stars). 2 submissions from 2 submitters: Likely benign (2). Last evaluated 2025-11-25.

Conditions:
ASH1L-related disorder. Also called: ASH1L-related condition.

gnomAD v4.1: 490 of 1,610,142 alleles (0.03%); highest among the groups gnomAD compares: African/African-American, 0.42%; no homozygotes.

Submissions (2):

PreventionGenetics, part of Exact Sciences
Classification: Likely benign for ASH1L-related condition. Last evaluated: 2025-11-25. Review status: criteria provided, single submitter. Criteria: ACMG Guidelines, 2015. Collection method: clinical testing. Allele origin: germline.
Comment: This variant is classified as likely benign based on ACMG/AMP sequence variant interpretation guidelines (Richards et al. 2015 PMID: 25741868, with internal and published modifications).

CeGaT Center for Human Genetics Tuebingen
Classification: Likely benign. Last evaluated: 2025-11-01. Review status: criteria provided, single submitter. Criteria: CeGaT Center For Human Genetics Tuebingen Variant Classification Criteria Version 2. Collection method: clinical testing. Allele origin: germline. Affected: yes. Observed: 1 variant allele.
Comment: ASH1L: BP4, BP7

NM_018489.3(ASH1L):c.6030A>G (p.Gln2010=)

Gene: ASH1L (ASH1 like histone lysine methyltransferase; minus strand). Cytogenetic location: 1q22.
Variant type: single nucleotide variant.
Coding change: c.6030A>G on transcript NM_018489.3 (MANE Select); coding-DNA position 6030, A replaced by G.
Protein change: p.Gln2010=; no amino-acid change (glutamine 2010 retained).
Molecular consequence: synonymous variant.
Genome position (GRCh38, 1-based): chr1:155,395,532, T>C on the plus strand (A>G on the coding strand, the complement: ASH1L is on the minus strand). VCF-style: chr1-155395532-T-C. GRCh37 (hg19) VCF-style: chr1-155365323-T-C.
Other names: c.6030A>G, p.Gln2010= (NM_001366177.2); c.6030A>G (NM_018489.2).
Identifiers: ClinVar variation 4533693 (VCV004533693.7).
Genomic context (GRCh38, chr1:155,395,532, plus strand): 5'-CGCTGGAAATAATCCATATTCATGCTCTCCTGGAGTATACTCCAGCTTCTCTTTCTTTAA[T>C]TGGATCAATCGACTCTTTGGGCTGTGATAAAAAAAGAATGGGAAACAGTCAAGAGGCAAA-3'
Protein context (NP_060959.2, residues 2000-2020): KTTDPKSRLI[Gln2010=]LKKEKLEYTP